The following is an entry in ClinVar:

ClinVar aggregate classification (germline): Likely pathogenic (1 of 4 stars; one submission).

Conditions:
CDKL5 disorder. Identifiers: MedGen CN296942, MONDO:0100039.

Submission:

Centre for Population Genomics, CPG
Classification: Likely pathogenic for CDKL5 disorder. Last evaluated: 2024-12-12. Review status: criteria provided, single submitter. Criteria: McKnight et al. (Hum Mutat. 2022). Collection method: curation. Allele origin: germline. Inheritance: X-linked inheritance.
Comment: This variant has been collected from RettBASE and curated to current modified ACMG/AMP criteria. Based on the classification scheme defined by the ClinGen Rett/Angelman-like Expert Panel for Rett/AS-like Disorders Specifications to the ACMG/AMP Variant Interpretation Guidelines VCEP 3.0, this variant is classified as likely pathogenic. At least the following criteria are met: Predicted to result in loss of function, and LOF is a known mechanism of disease (PVS1). This variant is absent from gnomAD (PM2_Supporting). Has been observed in at least 1 individual with phenotypes consistent with CDKL5 disorder (PMID: 25657822).

NM_001323289.2(CDKL5):c.1470_1471del (p.Ala491fs)

Gene: CDKL5 (cyclin dependent kinase like 5; plus strand). Cytogenetic location: Xp22.13.
Variant type: Deletion.
Coding change: c.1470_1471del on transcript NM_001323289.2 (MANE Select); coding-DNA positions 1470 to 1471, 2 bases deleted (GG; older notation c.1470_1471delGG).
Protein change: p.Ala491fs; shifts the reading frame from alanine 491.
Molecular consequence: frameshift variant.
Genome position (GRCh38, 1-based): chrX:18,604,394-18,604,395, GG deleted; deleting any 2 consecutive bases within chrX:18,604,392-18,604,395 gives the same sequence; the c. name uses the placement nearest the transcript's 3' end. VCF-style (leftmost placement, unchanged base first): chrX-18604391-TGG-T. GRCh37 (hg19) VCF-style: chrX-18622511-TGG-T.
Other names: NM_003159.3:c.1470_1471del; c.1470_1471del, p.Ala491fs (NM_001037343.2, NM_003159.3); short protein forms A491fs.
Identifiers: ClinVar variation 3602041 (VCV003602041.1).